The following is an entry in ClinVar:

ClinVar aggregate classification (germline): Uncertain significance. Review status: criteria provided, multiple submitters, no conflicts (2 of 4 stars). 2 submissions from 2 submitters: Uncertain significance (2). Last evaluated 2025-08-09.

Conditions:
Inborn genetic diseases. Identifiers: MedGen C0950123, MeSH D030342.
Alacrima, achalasia, and impaired intellectual development syndrome. Also called: Alacrima, achalasia, and mental retardation syndrome; Alacrima, achalasia, and intellectual disability syndrome. Identifiers: Orphanet 869, MedGen C4706563, MONDO:0014219, OMIM 615510.

Allele frequency attached by ClinVar (database versions not stated): gnomAD 0.00032 and 0.00033; TOPMed 0.00040; ESP Exome Variant Server 0.00015; 1000 Genomes Project 30x 0.00078; 1000 Genomes Project 0.00060.
gnomAD v4.1: 105 of 1,612,478 alleles (0.0065%); highest among the groups gnomAD compares: African/African-American, 0.1%; no homozygotes.

Submissions (2):

Ambry Genetics
Classification: Uncertain significance for Inborn genetic diseases. Last evaluated: 2025-08-09. Review status: criteria provided, single submitter. Criteria: Ambry Variant Classification Scheme 2023. Collection method: clinical testing. Allele origin: germline.

Labcorp Genetics (formerly Invitae), Labcorp
Classification: Uncertain significance for Alacrima, achalasia, and impaired intellectual development syndrome. Last evaluated: 2023-09-13. Review status: criteria provided, single submitter. Criteria: Invitae Variant Classification Sherloc (09022015). Collection method: clinical testing. Allele origin: germline.
Comment: In summary, the available evidence is currently insufficient to determine the role of this variant in disease. Therefore, it has been classified as a Variant of Uncertain Significance. An algorithm developed to predict the effect of missense changes on protein structure and function (PolyPhen-2) suggests that this variant is likely to be disruptive. ClinVar contains an entry for this variant (Variation ID: 1024634). This variant has not been reported in the literature in individuals affected with GMPPA-related conditions. This variant is present in population databases (rs370710427, gnomAD 0.1%). This sequence change replaces isoleucine, which is neutral and non-polar, with valine, which is neutral and non-polar, at codon 384 of the GMPPA protein (p.Ile384Val).

NM_013335.4(GMPPA):c.1150A>G (p.Ile384Val)

Genes: ASIC4-AS1 (ASIC4 antisense RNA 1; minus strand), GMPPA (GDP-mannose pyrophosphorylase A; plus strand). Cytogenetic location: 2q35.
Variant type: single nucleotide variant.
Coding change: c.1150A>G on transcript NM_013335.4 (MANE Select); coding-DNA position 1150, A replaced by G.
Protein change: p.Ile384Val; replaces isoleucine 384 with valine.
Molecular consequence: missense variant.
Genome position (GRCh38, 1-based): chr2:219,506,410, A>G. VCF-style: chr2-219506410-A-G. GRCh37 (hg19) VCF-style: chr2-220371132-A-G.
Other names: c.1150A>G (NM_205847.2); c.1150A>G, p.Ile384Val (NM_001374294.1, NM_001374295.1, NM_205847.3); short protein forms I384V.
Identifiers: ClinVar variation 1024634 (VCV001024634.8), dbSNP rs370710427, ClinGen allele CA2128433.